The following is an entry in ClinVar:

NM_000179.3(MSH6):c.3847A>C (p.Ile1283Leu)

Gene: MSH6 (mutS homolog 6; plus strand). Cytogenetic location: 2p16.3.
Variant type: single nucleotide variant.
Coding change: c.3847A>C on transcript NM_000179.3 (MANE Select); coding-DNA position 3847, A replaced by C.
Protein change: p.Ile1283Leu; replaces isoleucine 1283 with leucine.
Molecular consequence: missense variant. On other transcripts: synonymous variant (1), non-coding transcript variant (5), intron variant (1).
Genome position (GRCh38, 1-based): chr2:47,806,497, A>C. VCF-style: chr2-47806497-A-C. GRCh37 (hg19) VCF-style: chr2-48033636-A-C.
Other names: c.2941A>C, p.Ile981Leu (NM_001406816.1, NM_001281493.2, NM_001281494.2 and 6 more transcripts); c.3457A>C, p.Ile1153Leu (NM_001281492.2); c.3943A>C, p.Ile1315Leu (NM_001406795.1); c.3847A>C, p.Ile1283Leu (NM_001406796.1, NM_001406808.1, NM_001406809.1); c.3550A>C, p.Ile1184Leu (NM_001406797.1, NM_001406801.1, NM_001406805.1 and 10 more transcripts); c.3673A>C, p.Ile1225Leu (NM_001406798.1); c.3322A>C, p.Ile1108Leu (NM_001406799.1, NM_001406806.1, NM_001406807.1); c.3834A>C, p.Leu1278= (NM_001406800.1); and 9 more; short protein forms I1225L, I1257L, I1285L, I232L, I598L, I1153L, I761L, I1227L.
Identifiers: ClinVar variation 3913769 (VCV003913769.1).

ClinVar aggregate classification (germline): Uncertain significance (1 of 4 stars; one submission).

Conditions:
Hereditary cancer-predisposing syndrome. Also called: Hereditary Cancer Syndrome; Hereditary neoplastic syndrome; Neoplastic Syndromes, Hereditary; Tumor predisposition. Identifiers: Orphanet 140162, MedGen C0027672, MeSH D009386, MONDO:0015356.

Submission:

Ambry Genetics
Classification: Uncertain significance for Hereditary cancer-predisposing syndrome. Last evaluated: 2025-03-31. Review status: criteria provided, single submitter. Criteria: Ambry Variant Classification Scheme 2023. Collection method: clinical testing. Allele origin: germline.
Comment: The p.I1283L variant (also known as c.3847A>C), located in coding exon 9 of the MSH6 gene, results from an A to C substitution at nucleotide position 3847. The isoleucine at codon 1283 is replaced by leucine, an amino acid with highly similar properties. This amino acid position is conserved. In addition, the in silico prediction for this alteration is inconclusive. Based on the available evidence, the clinical significance of this variant remains unclear.